The following is an entry in ClinVar:

ClinVar aggregate classification (germline): Uncertain significance. Review status: criteria provided, multiple submitters, no conflicts (2 of 4 stars). 2 submissions from 2 submitters: Uncertain significance (2). Last evaluated 2022-08-09.

Conditions:
LAMA2-related muscular dystrophy (LAMA2-RD). Also called: Laminin alpha 2-related dystrophy. Identifiers: MedGen C5679788, MONDO:0100228.

Allele frequency attached by ClinVar (database versions not stated): gnomAD exomes 0.00001 and 0.00002; TOPMed 0.00001; ExAC 0.00002.
gnomAD v4.1: 4 of 1,614,214 alleles (0.00025%); highest among the groups gnomAD compares: Admixed American, 0.0067%; no homozygotes.

Submissions (2):

Labcorp Genetics (formerly Invitae), Labcorp
Classification: Uncertain significance for LAMA2-related muscular dystrophy. Last evaluated: 2022-08-09. Review status: criteria provided, single submitter. Criteria: Invitae Variant Classification Sherloc (09022015). Collection method: clinical testing. Allele origin: germline.
Comment: This sequence change replaces serine, which is neutral and polar, with glycine, which is neutral and non-polar, at codon 568 of the LAMA2 protein (p.Ser568Gly). This variant is present in population databases (rs754994339, gnomAD 0.009%). This variant has not been reported in the literature in individuals affected with LAMA2-related conditions. ClinVar contains an entry for this variant (Variation ID: 435705). Advanced modeling of protein sequence and biophysical properties (such as structural, functional, and spatial information, amino acid conservation, physicochemical variation, residue mobility, and thermodynamic stability) performed at Invitae indicates that this missense variant is not expected to disrupt LAMA2 protein function. In summary, the available evidence is currently insufficient to determine the role of this variant in disease. Therefore, it has been classified as a Variant of Uncertain Significance.

Genetic Services Laboratory, University of Chicago
Classification: Uncertain significance. Last evaluated: 2016-08-15. Review status: criteria provided, single submitter. Criteria: ACMG Guidelines, 2015. Collection method: clinical testing. Allele origin: germline. Affected: no.

NM_000426.4(LAMA2):c.1702A>G (p.Ser568Gly)

Gene: LAMA2 (laminin subunit alpha 2; plus strand). Cytogenetic location: 6q22.33.
Variant type: single nucleotide variant.
Coding change: c.1702A>G on transcript NM_000426.4 (MANE Select); coding-DNA position 1702, A replaced by G.
Protein change: p.Ser568Gly; replaces serine 568 with glycine.
Molecular consequence: missense variant.
Genome position (GRCh38, 1-based): chr6:129,192,773, A>G. VCF-style: chr6-129192773-A-G. GRCh37 (hg19) VCF-style: chr6-129513918-A-G.
Other names: c.1702A>G, p.Ser568Gly (NM_001079823.2); short protein forms S568G.
Identifiers: ClinVar variation 435705 (VCV000435705.11), dbSNP rs754994339, ClinGen allele CA3992702.